The following is an entry in ClinVar:

ClinVar aggregate classification (germline): Likely pathogenic (1 of 4 stars; one submission).

Conditions:
Creatine transporter deficiency (CCDS1). Also called: CEREBRAL CREATINE DEFICIENCY SYNDROME 1; Creatine Transporter (CRTR) Deficiency; Mental retardation , X-linked with seizures, short stature and midface hypoplasia; Mental retardation , X-linked, with creatine transport deficiency; X-linked creatine transporter deficiency; X-linked creatine deficiency syndrome. Identifiers: Orphanet 52503, MedGen C1845862, MONDO:0010305, OMIM 300352.

Submission:

Laboratory of Medical Genetics, National & Kapodistrian University of Athens
Classification: Likely pathogenic for Creatine transporter deficiency. Last evaluated: 2022-12-21. Review status: criteria provided, single submitter. Criteria: ACMG Guidelines, 2015. Collection method: clinical testing. Allele origin: germline. Affected: yes.
Comment: PP3, PP4, PM2

NM_005629.4(SLC6A8):c.229C>A (p.Arg77Ser)

Gene: SLC6A8 (solute carrier family 6 member 8; plus strand). Cytogenetic location: Xq28.
Variant type: single nucleotide variant.
Coding change: c.229C>A on transcript NM_005629.4 (MANE Select); coding-DNA position 229, C replaced by A.
Protein change: p.Arg77Ser; replaces arginine 77 with serine.
Molecular consequence: missense variant.
Genome position (GRCh38, 1-based): chrX:153,688,803, C>A. VCF-style: chrX-153688803-C-A. GRCh37 (hg19) VCF-style: chrX-152954258-C-A.
Other names: c.229C>A, p.Arg77Ser (NM_001142805.2); short protein forms R77S.
Identifiers: ClinVar variation 2572623 (VCV002572623.1), dbSNP rs2522145845, ClinGen allele CA415076993.